The following is an entry in ClinVar:

NM_018139.3(DNAAF2):c.443C>G (p.Pro148Arg)

Gene: DNAAF2 (dynein axonemal assembly factor 2; minus strand). Cytogenetic location: 14q21.3.
Variant type: single nucleotide variant.
Coding change: c.443C>G on transcript NM_018139.3 (MANE Select); coding-DNA position 443, C replaced by G.
Protein change: p.Pro148Arg; replaces proline 148 with arginine.
Molecular consequence: missense variant.
Genome position (GRCh38, 1-based): chr14:49,634,707, G>C on the plus strand (C>G on the coding strand, the complement: DNAAF2 is on the minus strand). VCF-style: chr14-49634707-G-C. GRCh37 (hg19) VCF-style: chr14-50101425-G-C.
Other names: c.443C>G, p.Pro148Arg (NM_001083908.2); short protein forms P148R.
Identifiers: ClinVar variation 3502881 (VCV003502881.2).

ClinVar aggregate classification (germline): Uncertain significance. Review status: criteria provided, multiple submitters, no conflicts (2 of 4 stars). 2 submissions from 2 submitters: Uncertain significance (2). Last evaluated 2025-10-12.

Conditions:
Primary ciliary dyskinesia. Also called: Ciliary dyskinesia. Identifiers: Orphanet 244, MedGen C0008780, MONDO:0016575, HP:0012265.

Submissions (2):

Labcorp Genetics (formerly Invitae), Labcorp
Classification: Uncertain significance for Primary ciliary dyskinesia. Last evaluated: 2025-10-12. Review status: criteria provided, single submitter. Criteria: Invitae Variant Classification Sherloc (09022015). Collection method: clinical testing. Allele origin: germline.
Comment: This sequence change replaces proline, which is neutral and non-polar, with arginine, which is basic and polar, at codon 148 of the DNAAF2 protein (p.Pro148Arg). This variant is present in population databases (rs575918888, gnomAD 0.01%). This variant has not been reported in the literature in individuals affected with DNAAF2-related conditions. ClinVar contains an entry for this variant (Variation ID: 3502881). Invitae Evidence Modeling of protein sequence and biophysical properties (such as structural, functional, and spatial information, amino acid conservation, physicochemical variation, residue mobility, and thermodynamic stability) indicates that this missense variant is expected to disrupt DNAAF2 protein function with a positive predictive value of 80%. In summary, the available evidence is currently insufficient to determine the role of this variant in disease. Therefore, it has been classified as a Variant of Uncertain Significance.

Ambry Genetics
Classification: Uncertain significance for Primary ciliary dyskinesia. Last evaluated: 2024-12-05. Review status: criteria provided, single submitter. Criteria: Ambry Variant Classification Scheme 2023. Collection method: clinical testing. Allele origin: germline.